The following is an entry in ClinVar:

NM_020821.3(VPS13C):c.7706G>A (p.Arg2569His)

Gene: VPS13C (vacuolar protein sorting 13 homolog C; minus strand). Cytogenetic location: 15q22.2.
Variant type: single nucleotide variant.
Coding change: c.7706G>A on transcript NM_020821.3 (MANE Select); coding-DNA position 7706, G replaced by A.
Protein change: p.Arg2569His; replaces arginine 2569 with histidine.
Molecular consequence: missense variant.
Genome position (GRCh38, 1-based): chr15:61,918,190, C>T on the plus strand (G>A on the coding strand, the complement: VPS13C is on the minus strand). VCF-style: chr15-61918190-C-T. GRCh37 (hg19) VCF-style: chr15-62210389-C-T.
Other names: c.7706G>A, p.Arg2569His (NM_001018088.3); c.7577G>A, p.Arg2526His (NM_017684.5, NM_018080.4); short protein forms R2526H, R2569H.
Identifiers: ClinVar variation 2042241 (VCV002042241.4), dbSNP rs771908102, ClinGen allele CA7595183.
Genomic context (GRCh38, chr15:61,918,190, plus strand): 5'-ATCTACCTATATGAATCTAAAGGAACATGGAACTCCTCTTCAGGTCTGGCTATCCCAATG[C>T]GCTCCAATAGCTTAACATTCTTAACAAATTTATAGATGATAAATGCAATGGAGAAATGGT-3'
Protein context (NP_065872.1, residues 2559-2579): KFVKNVKLLE[Arg2569His]IGIARPEEEF

ClinVar aggregate classification (germline): Uncertain significance (1 of 4 stars; one submission).

Allele frequency attached by ClinVar (database versions not stated): gnomAD 0.00001; ExAC 0.00001.
gnomAD v4.1: 18 of 1,599,584 alleles (0.0011%); highest among the groups gnomAD compares: African/African-American, 0.0014%; no homozygotes.

Submission:

Labcorp Genetics (formerly Invitae), Labcorp
Classification: Uncertain significance. Last evaluated: 2022-04-16. Review status: criteria provided, single submitter. Criteria: Invitae Variant Classification Sherloc (09022015). Collection method: clinical testing. Allele origin: germline.
Comment: This sequence change replaces arginine, which is basic and polar, with histidine, which is basic and polar, at codon 2569 of the VPS13C protein (p.Arg2569His). The frequency data for this variant in the population databases is considered unreliable, as metrics indicate poor data quality at this position in the gnomAD database. In summary, the available evidence is currently insufficient to determine the role of this variant in disease. Therefore, it has been classified as a Variant of Uncertain Significance. Algorithms developed to predict the effect of missense changes on protein structure and function (SIFT, PolyPhen-2, Align-GVGD) all suggest that this variant is likely to be tolerated. This variant has not been reported in the literature in individuals affected with VPS13C-related conditions.